The following is an entry in ClinVar:

ClinVar aggregate classification (germline): Uncertain significance. Review status: criteria provided, multiple submitters, no conflicts (2 of 4 stars). 2 submissions from 2 submitters: Uncertain significance (2). Last evaluated 2025-09-10.

Allele frequency attached by ClinVar (database versions not stated): ExAC 0.00007; gnomAD 0.00007; TOPMed 0.00007; ESP Exome Variant Server 0.00015.
gnomAD v4.1: 379 of 1,613,520 alleles (0.023%); highest among the groups gnomAD compares: Non-Finnish European, 0.032%; no homozygotes.

Submissions (2):

Ambry Genetics
Classification: Uncertain significance. Last evaluated: 2025-09-10. Review status: criteria provided, single submitter. Criteria: Ambry Variant Classification Scheme 2023. Collection method: clinical testing. Allele origin: germline.

Labcorp Genetics (formerly Invitae), Labcorp
Classification: Uncertain significance. Last evaluated: 2024-04-15. Review status: criteria provided, single submitter. Criteria: Invitae Variant Classification Sherloc (09022015). Collection method: clinical testing. Allele origin: germline.
Comment: This sequence change replaces isoleucine, which is neutral and non-polar, with threonine, which is neutral and polar, at codon 165 of the TXN2 protein (p.Ile165Thr). This variant is present in population databases (rs370187585, gnomAD 0.01%). This variant has not been reported in the literature in individuals affected with TXN2-related conditions. ClinVar contains an entry for this variant (Variation ID: 2140426). An algorithm developed to predict the effect of missense changes on protein structure and function (PolyPhen-2) suggests that this variant is likely to be disruptive. In summary, the available evidence is currently insufficient to determine the role of this variant in disease. Therefore, it has been classified as a Variant of Uncertain Significance.

NM_012473.4(TXN2):c.494T>C (p.Ile165Thr)

Gene: TXN2 (thioredoxin 2; minus strand). Cytogenetic location: 22q12.3.
Variant type: single nucleotide variant.
Coding change: c.494T>C on transcript NM_012473.4 (MANE Select); coding-DNA position 494, T replaced by C.
Protein change: p.Ile165Thr; replaces isoleucine 165 with threonine.
Molecular consequence: missense variant.
Genome position (GRCh38, 1-based): chr22:36,467,811, A>G on the plus strand (T>C on the coding strand, the complement: TXN2 is on the minus strand). VCF-style: chr22-36467811-A-G. GRCh37 (hg19) VCF-style: chr22-36863858-A-G.
Other names: c.494T>C (NM_012473.3); short protein forms I165T.
Identifiers: ClinVar variation 2140426 (VCV002140426.7), dbSNP rs370187585, ClinGen allele CA10210772.